The following is an entry in ClinVar:

NM_020884.7(MYH7B):c.2476C>T (p.Arg826Cys)

Gene: MYH7B (myosin heavy chain 7B; plus strand). Cytogenetic location: 20q11.22.
Variant type: single nucleotide variant.
Coding change: c.2476C>T on transcript NM_020884.7 (MANE Select); coding-DNA position 2476, C replaced by T.
Protein change: p.Arg826Cys; replaces arginine 826 with cysteine.
Molecular consequence: missense variant.
Genome position (GRCh38, 1-based): chr20:34,994,177, C>T. VCF-style: chr20-34994177-C-T. GRCh37 (hg19) VCF-style: chr20-33581980-C-T.
Other names: short protein forms R826C.
Identifiers: ClinVar variation 3876509 (VCV003876509.2).

ClinVar aggregate classification (germline): Uncertain significance. Review status: criteria provided, multiple submitters, no conflicts (2 of 4 stars). 2 submissions from 2 submitters: Uncertain significance (2). Last evaluated 2025-09-18.

gnomAD v4.1: 30 of 1,613,286 alleles (0.0019%); highest among the groups gnomAD compares: African/African-American, 0.0027%; no homozygotes.

Submissions (2):

Labcorp Genetics (formerly Invitae), Labcorp
Classification: Uncertain significance. Last evaluated: 2025-09-18. Review status: criteria provided, single submitter. Criteria: Invitae Variant Classification Sherloc (09022015). Collection method: clinical testing. Allele origin: germline.
Comment: This sequence change replaces arginine, which is basic and polar, with cysteine, which is neutral and slightly polar, at codon 868 of the MYH7B protein (p.Arg868Cys). This variant is present in population databases (no rsID available, gnomAD 0.002%). This variant has not been reported in the literature in individuals affected with MYH7B-related conditions. ClinVar contains an entry for this variant (Variation ID: 3876509). Invitae Evidence Modeling of protein sequence and biophysical properties (such as structural, functional, and spatial information, amino acid conservation, physicochemical variation, residue mobility, and thermodynamic stability) indicates that this missense variant is expected to disrupt MYH7B protein function with a positive predictive value of 80%. In summary, the available evidence is currently insufficient to determine the role of this variant in disease. Therefore, it has been classified as a Variant of Uncertain Significance.

Ambry Genetics
Classification: Uncertain significance. Last evaluated: 2024-12-17. Review status: criteria provided, single submitter. Criteria: Ambry Variant Classification Scheme 2023. Collection method: clinical testing. Allele origin: germline.